The following is an entry in ClinVar:

NM_000286.3(PEX12):c.124A>C (p.Lys42Gln)

Gene: PEX12 (peroxisomal biogenesis factor 12; minus strand). Cytogenetic location: 17q12.
Variant type: single nucleotide variant.
Coding change: c.124A>C on transcript NM_000286.3 (MANE Select); coding-DNA position 124, A replaced by C.
Protein change: p.Lys42Gln; replaces lysine 42 with glutamine.
Molecular consequence: missense variant.
Genome position (GRCh38, 1-based): chr17:35,577,898, T>G on the plus strand (A>C on the coding strand, the complement: PEX12 is on the minus strand). VCF-style: chr17-35577898-T-G. GRCh37 (hg19) VCF-style: chr17-33904917-T-G.
Other names: short protein forms K42Q.
Identifiers: ClinVar variation 2177376 (VCV002177376.4), dbSNP rs1770329759, ClinGen allele CA399138824.

ClinVar aggregate classification (germline): Uncertain significance (1 of 4 stars; one submission).

Conditions:
Peroxisome biogenesis disorder 3A (Zellweger). Also called: PEROXISOMAL BIOGENESIS DISORDER 3A (ZELLWEGER); Peroxisome biogenesis disorder 3A. Identifiers: Orphanet 912, MedGen C3553929, MONDO:0013927, OMIM 614859.

Submission:

Labcorp Genetics (formerly Invitae), Labcorp
Classification: Uncertain significance for Peroxisome biogenesis disorder 3A (Zellweger). Last evaluated: 2022-06-10. Review status: criteria provided, single submitter. Criteria: Invitae Variant Classification Sherloc (09022015). Collection method: clinical testing. Allele origin: germline.
Comment: In summary, the available evidence is currently insufficient to determine the role of this variant in disease. Therefore, it has been classified as a Variant of Uncertain Significance. Algorithms developed to predict the effect of missense changes on protein structure and function (SIFT, PolyPhen-2, Align-GVGD) all suggest that this variant is likely to be tolerated. This variant has not been reported in the literature in individuals affected with PEX12-related conditions. This variant is not present in population databases (gnomAD no frequency). This sequence change replaces lysine, which is basic and polar, with glutamine, which is neutral and polar, at codon 42 of the PEX12 protein (p.Lys42Gln).